The following is an entry in ClinVar:

NM_000245.4(MET):c.271G>A (p.Glu91Lys)

Gene: MET (MET proto-oncogene, receptor tyrosine kinase; plus strand). Cytogenetic location: 7q31.2.
Variant type: single nucleotide variant.
Coding change: c.271G>A on transcript NM_000245.4 (MANE Select); coding-DNA position 271, G replaced by A.
Protein change: p.Glu91Lys; replaces glutamic acid 91 with lysine.
Molecular consequence: missense variant. On other transcripts: intron variant (1).
Genome position (GRCh38, 1-based): chr7:116,699,355, G>A. VCF-style: chr7-116699355-G-A. GRCh37 (hg19) VCF-style: chr7-116339409-G-A.
Other names: c.271G>A, p.Glu91Lys (NM_001127500.3, NM_001324401.3); c.-91+26778G>A (NM_001324402.2); short protein forms E91K.
Identifiers: ClinVar variation 3607234 (VCV003607234.2).

ClinVar aggregate classification (germline): Uncertain significance (1 of 4 stars; one submission).

Conditions:
Renal cell carcinoma. Identifiers: Orphanet 217071, MedGen C0007134, MeSH D002292, MONDO:0005086, HP:0005584.

Submission:

Labcorp Genetics (formerly Invitae), Labcorp
Classification: Uncertain significance for Renal cell carcinoma. Last evaluated: 2024-04-20. Review status: criteria provided, single submitter. Criteria: Invitae Variant Classification Sherloc (09022015). Collection method: clinical testing. Allele origin: germline.
Comment: This sequence change replaces glutamic acid, which is acidic and polar, with lysine, which is basic and polar, at codon 91 of the MET protein (p.Glu91Lys). This variant is not present in population databases (gnomAD no frequency). This variant has not been reported in the literature in individuals affected with MET-related conditions. Advanced modeling of protein sequence and biophysical properties (such as structural, functional, and spatial information, amino acid conservation, physicochemical variation, residue mobility, and thermodynamic stability) performed at Invitae indicates that this missense variant is expected to disrupt MET protein function with a positive predictive value of 80%. In summary, the available evidence is currently insufficient to determine the role of this variant in disease. Therefore, it has been classified as a Variant of Uncertain Significance.